The following is an entry in ClinVar:

NM_005094.4(SLC27A4):c.1645G>A (p.Gly549Arg)

Gene: SLC27A4 (solute carrier family 27 member 4; plus strand). Cytogenetic location: 9q34.11.
Variant type: single nucleotide variant.
Coding change: c.1645G>A on transcript NM_005094.4 (MANE Select); coding-DNA position 1645, G replaced by A.
Protein change: p.Gly549Arg; replaces glycine 549 with arginine.
Molecular consequence: missense variant.
Genome position (GRCh38, 1-based): chr9:128,355,667, G>A. VCF-style: chr9-128355667-G-A. GRCh37 (hg19) VCF-style: chr9-131117946-G-A.
Other names: short protein forms G549R.
Identifiers: ClinVar variation 3338631 (VCV003338631.2).
Genomic context (GRCh38, chr9:128,355,667, plus strand): 5'-AGGGGCACCACCAGCTACTCAGTGTCTACCCTGCCACCCCCAGGAACCGAGGGCCGGGCC[G>A]GAATGGCTGCTGTGGCCAGCCCCACTGGCAACTGTGACCTGGAGCGCTTTGCTCAGGTCT-3'
Protein context (NP_005085.2, residues 539-559): VEVPGTEGRA[Gly549Arg]MAAVASPTGN

ClinVar aggregate classification (germline): Uncertain significance (1 of 4 stars; one submission).

Conditions:
Ichthyosis prematurity syndrome (IPS). Also called: ICHTHYOSIS CONGENITA IV. Identifiers: Orphanet 88621, MedGen C1837610, MONDO:0012089, OMIM 608649.

gnomAD v4.1: 8 of 1,611,580 alleles (0.0005%); highest among the groups gnomAD compares: Middle Eastern, 0.016%; no homozygotes.

Submission:

Royal Medical Services, Bahrain Defence Force Hospital
Classification: Uncertain significance for Ichthyosis prematurity syndrome. Review status: criteria provided, single submitter. Criteria: ACMG Guidelines, 2015. Collection method: clinical testing. Allele origin: inherited. Inheritance: Autosomal recessive inheritance. Affected: yes. Observed: 1 homozygote.
Comment: The SLC27A4 variant c.1645G>A p.(Gly549Arg) causes an amino acid change from Gly to Arg at position 549 in exon(s) no. 12 (of 13). To the best of our knowledge this is a novel variant not previously reported in the literature. It is classified as variant of uncertain significance based on CENTOGENE's implementation of the ACMG/AMP/ClinGen SVI guidelines.

Literature cited by the submitters: PubMed 14985385.